The following is an entry in ClinVar:

NM_005585.5(SMAD6):c.458C>A (p.Ala153Glu)

Gene: SMAD6 (SMAD family member 6; plus strand). Cytogenetic location: 15q22.31.
Variant type: single nucleotide variant.
Coding change: c.458C>A on transcript NM_005585.5 (MANE Select); coding-DNA position 458, C replaced by A.
Protein change: p.Ala153Glu; replaces alanine 153 with glutamic acid.
Molecular consequence: missense variant. On other transcripts: non-coding transcript variant (1).
Genome position (GRCh38, 1-based): chr15:66,703,716, C>A. VCF-style: chr15-66703716-C-A. GRCh37 (hg19) VCF-style: chr15-66996054-C-A.
Other names: short protein forms A153E.
Identifiers: ClinVar variation 1741696 (VCV001741696.3), dbSNP rs1893035423, ClinGen allele CA392949593.
Genomic context (GRCh38, chr15:66,703,716, plus strand): 5'-ACGCCGCCGGCGCGCCCCGGGACGCCAGCGACCCCCTGGCCGGGGCGGCCCTGGAGCCGG[C>A]GGGCGGCGGGCGGAGTCGCGAAGCGCGCTCGCGGCTGCTGCTGCTGGAGCAGGAACTCAA-3'
Protein context (NP_005576.3, residues 143-163): DPLAGAALEP[Ala153Glu]GGGRSREARS

ClinVar aggregate classification (germline): Uncertain significance (1 of 4 stars; one submission).

Conditions:
Inborn genetic diseases. Identifiers: MedGen C0950123, MeSH D030342.

Submission:

Ambry Genetics
Classification: Uncertain significance for Inborn genetic diseases. Last evaluated: 2024-10-21. Review status: criteria provided, single submitter. Criteria: Ambry Variant Classification Scheme 2023. Collection method: clinical testing. Allele origin: germline.
Comment: The p.A153E variant (also known as c.458C>A), located in coding exon 1 of the SMAD6 gene, results from a C to A substitution at nucleotide position 458. The alanine at codon 153 is replaced by glutamic acid, an amino acid with dissimilar properties. This amino acid position is conserved. In addition, this alteration is predicted to be tolerated by in silico analysis. Since supporting evidence is limited at this time, the clinical significance of this alteration remains unclear.